The following is an entry in ClinVar:

ClinVar aggregate classification (germline): Uncertain significance (1 of 4 stars; one submission).

Submission:

Labcorp Genetics (formerly Invitae), Labcorp
Classification: Uncertain significance. Last evaluated: 2025-10-07. Review status: criteria provided, single submitter. Criteria: Invitae Variant Classification Sherloc (09022015). Collection method: clinical testing. Allele origin: germline.
Comment: This sequence change replaces glutamic acid, which is acidic and polar, with lysine, which is basic and polar, at codon 1779 of the SCN3A protein (p.Glu1779Lys). This variant is not present in population databases (gnomAD no frequency). This variant has not been reported in the literature in individuals affected with SCN3A-related conditions. ClinVar contains an entry for this variant (Variation ID: 2157869). Invitae Evidence Modeling of protein sequence and biophysical properties (such as structural, functional, and spatial information, amino acid conservation, physicochemical variation, residue mobility, and thermodynamic stability) has been performed for this missense variant. However, the output from this modeling did not meet the statistical confidence thresholds required to predict the impact of this variant on SCN3A protein function. In summary, the available evidence is currently insufficient to determine the role of this variant in disease. Therefore, it has been classified as a Variant of Uncertain Significance.

NM_006922.4(SCN3A):c.5335G>A (p.Glu1779Lys)

Gene: SCN3A (sodium voltage-gated channel alpha subunit 3; minus strand). Cytogenetic location: 2q24.3.
Variant type: single nucleotide variant.
Coding change: c.5335G>A on transcript NM_006922.4 (MANE Select); coding-DNA position 5335, G replaced by A.
Protein change: p.Glu1779Lys; replaces glutamic acid 1779 with lysine.
Molecular consequence: missense variant.
Genome position (GRCh38, 1-based): chr2:165,090,818, C>T on the plus strand (G>A on the coding strand, the complement: SCN3A is on the minus strand). VCF-style: chr2-165090818-C-T. GRCh37 (hg19) VCF-style: chr2-165947328-C-T.
Other names: c.5188G>A, p.Glu1730Lys (NM_001081676.2, NM_001081677.2); short protein forms E1730K, E1779K.
Identifiers: ClinVar variation 2157869 (VCV002157869.4), dbSNP rs886212854, ClinGen allele CA59708494.